The following is an entry in ClinVar:

ClinVar aggregate classification (germline): Pathogenic/Likely pathogenic. Review status: criteria provided, multiple submitters, no conflicts (2 of 4 stars). 4 submissions from 4 submitters: Pathogenic (2); Likely pathogenic (2). Last evaluated 2025-08-19.

Conditions:
Autosomal recessive Alport syndrome (ATS2). Also called: Alport syndrome type 2; COL4A3-Related Nephropathy; ALPORT SYNDROME 2, AUTOSOMAL RECESSIVE; COL4A4 Alport Syndrome and Thin Basement Membrane Nephropathy. Identifiers: Orphanet 63, Orphanet 88919, MedGen C4746745, MONDO:0008762, OMIM 203780.
Benign familial hematuria. Also called: thin basement membrane disease. Identifiers: MedGen C0241908, MONDO:0957317.
Alport syndrome. Also called: Hemorrhagic familial nephritis; Hemorrhagic hereditary nephritis; Congenital hereditary hematuria. Identifiers: Orphanet 63, MedGen C1567741, MONDO:0018965.

Allele frequency attached by ClinVar (database versions not stated): gnomAD 0.00001; gnomAD exomes 0.00001; TOPMed 0.00002; ESP Exome Variant Server 0.00008.
gnomAD v4.1: 5 of 1,613,836 alleles (0.00031%); highest among the groups gnomAD compares: African/African-American, 0.0053%; no homozygotes.

Submissions (4):

Myriad Genetics, Inc.
Classification: Likely pathogenic for Alport syndrome. Last evaluated: 2025-08-19. Review status: criteria provided, single submitter. Criteria: Myriad Autosomal Dominant, Autosomal Recessive and X-Linked Classification Criteria (2023). Collection method: clinical testing. Allele origin: unknown.
Comment: NM_000092.4(COL4A4):c.1856G>A(G619D) is a missense variant classified as likely pathogenic in the context of Alport syndrome, COL4A4-related. G619D has been observed in a case with relevant disease (PMID: 27469977). Relevant functional assessments of this variant are not available in the literature. Internal structural analysis of the variant is supportive of pathogenicity. G619D has been observed in referenced population frequency databases. In summary, NM_000092.4(COL4A4):c.1856G>A(G619D) is a missense variant that has internal structural support for pathogenicity and has been observed more frequently in cases with the relevant disease than in healthy populations. Please note: this variant was assessed in the context of healthy population screening.

Natera, Inc.
Classification: Likely pathogenic for Alport syndrome. Last evaluated: 2025-07-03. Review status: criteria provided, single submitter. Criteria: Natera Variant Classification Schema (03/2026). Collection method: clinical testing. Allele origin: germline.
Comment: The c.1856G>A variant in COL4A4 is a missense variant predicted to cause substitution of glycine to aspartic acid at amino acid 619. This variant is rare in the general population with a frequency below the threshold expected for the associated phenotype(s). This variant has been observed in affected individual(s) with monoallelic occurrence (heterozygous/hemizygous) (PMID: 27469977, 31738409). This variant has been observed to segregate in affected family members (PMID: 27469977). This variant is located in a functionally critical region of the protein. Computational prediction algorithms indicate this variant is likely to affect gene or protein function. Given the available evidence, this variant is classified as Likely Pathogenic.

Labcorp Genetics (formerly Invitae), Labcorp
Classification: Pathogenic. Last evaluated: 2025-06-12. Review status: criteria provided, single submitter. Criteria: Invitae Variant Classification Sherloc (09022015). Collection method: clinical testing. Allele origin: germline.
Comment: This sequence change replaces glycine, which is neutral and non-polar, with aspartic acid, which is acidic and polar, at codon 619 of the COL4A4 protein (p.Gly619Asp). This variant is present in population databases (rs374340855, gnomAD 0.007%). This missense change has been observed in individual(s) with autosomal dominant familial hematuria (PMID: 27469977). It has also been observed to segregate with disease in related individuals. ClinVar contains an entry for this variant (Variation ID: 1458417). Invitae Evidence Modeling of protein sequence and biophysical properties (such as structural, functional, and spatial information, amino acid conservation, physicochemical variation, residue mobility, and thermodynamic stability) indicates that this missense variant is expected to disrupt COL4A4 protein function with a positive predictive value of 95%. For these reasons, this variant has been classified as Pathogenic.

Fulgent Genetics
Classification: Pathogenic for Hematuria, benign familial, 1; Autosomal recessive Alport syndrome. Last evaluated: 2022-05-09. Review status: criteria provided, single submitter. Criteria: ACMG Guidelines, 2015. Collection method: clinical testing. Allele origin: unknown.

Literature cited by the submitters: PubMed 27469977 (cited by 3 submitters); PubMed 31738409 (cited by Natera, Inc.).

NM_000092.5(COL4A4):c.1856G>A (p.Gly619Asp)

Gene: COL4A4 (collagen type IV alpha 4 chain; minus strand). Cytogenetic location: 2q36.3.
Variant type: single nucleotide variant.
Coding change: c.1856G>A on transcript NM_000092.5 (MANE Select); coding-DNA position 1856, G replaced by A.
Protein change: p.Gly619Asp; replaces glycine 619 with aspartic acid.
Molecular consequence: missense variant.
Genome position (GRCh38, 1-based): chr2:227,078,025, C>T on the plus strand (G>A on the coding strand, the complement: COL4A4 is on the minus strand). VCF-style: chr2-227078025-C-T. GRCh37 (hg19) VCF-style: chr2-227942741-C-T.
Other names: c.1856G>A (NM_000092.4); short protein forms G619D.
Identifiers: ClinVar variation 1458417 (VCV001458417.9), dbSNP rs374340855, ClinGen allele CA66542073.